The following is an entry in ClinVar:

NM_001034853.2(RPGR):c.1292T>C (p.Ile431Thr)

Gene: RPGR (retinitis pigmentosa GTPase regulator; minus strand). Cytogenetic location: Xp11.4.
Variant type: single nucleotide variant.
Coding change: c.1292T>C on transcript NM_001034853.2 (MANE Select); coding-DNA position 1292, T replaced by C.
Protein change: p.Ile431Thr; replaces isoleucine 431 with threonine.
Molecular consequence: missense variant. On other transcripts: non-coding transcript variant (6).
Genome position (GRCh38, 1-based): chrX:38,297,406, A>G on the plus strand (T>C on the coding strand, the complement: RPGR is on the minus strand). VCF-style: chrX-38297406-A-G. GRCh37 (hg19) VCF-style: chrX-38156659-A-G.
Other names: c.1292T>C, p.Ile431Thr (NM_000328.3, NM_001367247.1); c.1289T>C, p.Ile430Thr (NM_001367245.1, NM_001367249.1, NM_001367250.1); c.1106T>C, p.Ile369Thr (NM_001367246.1, NM_001367251.1); c.1322T>C, p.Ile441Thr (NM_001367248.1); short protein forms I431T, I441T, I369T, I430T.
Identifiers: ClinVar variation 4743623 (VCV004743623.2).

ClinVar aggregate classification (germline): Uncertain significance. Review status: criteria provided, multiple submitters, no conflicts (2 of 4 stars). 2 submissions from 2 submitters: Uncertain significance (2). Last evaluated 2025-05-07.

Conditions:
Primary ciliary dyskinesia. Also called: Ciliary dyskinesia. Identifiers: Orphanet 244, MedGen C0008780, MONDO:0016575, HP:0012265.

gnomAD v4.1: 1 of 1,208,745 alleles (0.000083%); highest among the groups gnomAD compares: Non-Finnish European, 0.00011%; no homozygotes.

Submissions (2):

Labcorp Genetics (formerly Invitae), Labcorp
Classification: Uncertain significance for Primary ciliary dyskinesia. Last evaluated: 2025-05-07. Review status: criteria provided, single submitter. Criteria: Invitae Variant Classification Sherloc (09022015). Collection method: clinical testing. Allele origin: germline.
Comment: This sequence change replaces isoleucine, which is neutral and non-polar, with threonine, which is neutral and polar, at codon 431 of the RPGR protein (p.Ile431Thr). This variant is not present in population databases (gnomAD no frequency). This variant has not been reported in the literature in individuals affected with RPGR-related conditions. Invitae Evidence Modeling of protein sequence and biophysical properties (such as structural, functional, and spatial information, amino acid conservation, physicochemical variation, residue mobility, and thermodynamic stability) indicates that this missense variant is not expected to disrupt RPGR protein function with a negative predictive value of 95%. In summary, the available evidence is currently insufficient to determine the role of this variant in disease. Therefore, it has been classified as a Variant of Uncertain Significance.

Blueprint Genetics
Classification: Uncertain significance. Last evaluated: 2021-12-30. Review status: criteria provided, single submitter. Criteria: ACMG Guidelines, 2015. Collection method: clinical testing. Allele origin: germline.